The following is an entry in ClinVar:

ClinVar aggregate classification (germline): Uncertain significance. Review status: criteria provided, multiple submitters, no conflicts (2 of 4 stars). 2 submissions from 2 submitters: Uncertain significance (2). Last evaluated 2024-04-01.

Conditions:
CHARGE syndrome (CHARGE). Also called: Hittner Hirsch Kreh syndrome; CHARGE ASSOCIATION--COLOBOMA, HEART ANOMALY, CHOANAL ATRESIA, RETARDATION, GENITAL AND EAR ANOMALIES; Coloboma, heart anomaly, choanal atresia, retardation, genital and ear anomalies; CHARGE association; Hall-Hittner syndrome. Identifiers: Orphanet 138, MedGen C0265354, MONDO:0008965.

Allele frequency attached by ClinVar (database versions not stated): gnomAD exomes below 0.00001.
gnomAD v4.1: 1 of 1,614,002 alleles (0.000062%); highest among the groups gnomAD compares: Middle Eastern, 0.016%; no homozygotes.

Submissions (2):

Women's Health and Genetics/Laboratory Corporation of America, LabCorp
Classification: Uncertain significance. Last evaluated: 2024-04-01. Review status: criteria provided, single submitter. Criteria: LabCorp Variant Classification Summary - May 2015. Collection method: clinical testing. Allele origin: germline.
Comment: Variant summary: CHD7 c.7687C>G (p.Leu2563Val) results in a conservative amino acid change located in the BRK domain (IPR006576) of the encoded protein sequence. Three of five in-silico tools predict a benign effect of the variant on protein function. The variant was absent in 249290 control chromosomes. The available data on variant occurrences in the general population are insufficient to allow any conclusion about variant significance. To our knowledge, no occurrence of c.7687C>G in individuals affected with Hypogonadotropic Hypogonadism 5 With Or Without Anosmia and no experimental evidence demonstrating its impact on protein function have been reported. ClinVar contains an entry for this variant (Variation ID: 3021835). Based on the evidence outlined above, the variant was classified as uncertain significance.

Labcorp Genetics (formerly Invitae), Labcorp
Classification: Uncertain significance for CHARGE syndrome. Last evaluated: 2023-12-17. Review status: criteria provided, single submitter. Criteria: Invitae Variant Classification Sherloc (09022015). Collection method: clinical testing. Allele origin: germline.
Comment: This sequence change replaces leucine, which is neutral and non-polar, with valine, which is neutral and non-polar, at codon 2563 of the CHD7 protein (p.Leu2563Val). This variant is not present in population databases (gnomAD no frequency). This variant has not been reported in the literature in individuals affected with CHD7-related conditions. Advanced modeling of protein sequence and biophysical properties (such as structural, functional, and spatial information, amino acid conservation, physicochemical variation, residue mobility, and thermodynamic stability) performed at Invitae indicates that this missense variant is not expected to disrupt CHD7 protein function with a negative predictive value of 80%. Algorithms developed to predict the effect of sequence changes on RNA splicing suggest that this variant may create or strengthen a splice site. In summary, the available evidence is currently insufficient to determine the role of this variant in disease. Therefore, it has been classified as a Variant of Uncertain Significance.

NM_017780.4(CHD7):c.7687C>G (p.Leu2563Val)

Gene: CHD7 (chromodomain helicase DNA binding protein 7; plus strand). Cytogenetic location: 8q12.2.
Variant type: single nucleotide variant.
Coding change: c.7687C>G on transcript NM_017780.4 (MANE Select); coding-DNA position 7687, C replaced by G.
Protein change: p.Leu2563Val; replaces leucine 2563 with valine.
Molecular consequence: missense variant. On other transcripts: intron variant (1).
Genome position (GRCh38, 1-based): chr8:60,860,982, C>G. VCF-style: chr8-60860982-C-G. GRCh37 (hg19) VCF-style: chr8-61773541-C-G.
Other names: c.1717-1247C>G (NM_001316690.1); short protein forms L2563V.
Identifiers: ClinVar variation 3021835 (VCV003021835.4), dbSNP rs2488107253, ClinGen allele CA371304451.